The following is an entry in ClinVar:

NM_014639.4(SKIC3):c.2971G>A (p.Glu991Lys)

Gene: SKIC3 (SKI3 subunit of superkiller complex; minus strand). Cytogenetic location: 5q15.
Variant type: single nucleotide variant.
Coding change: c.2971G>A on transcript NM_014639.4 (MANE Select); coding-DNA position 2971, G replaced by A.
Protein change: p.Glu991Lys; replaces glutamic acid 991 with lysine.
Molecular consequence: missense variant.
Genome position (GRCh38, 1-based): chr5:95,509,637, C>T on the plus strand (G>A on the coding strand, the complement: SKIC3 is on the minus strand). VCF-style: chr5-95509637-C-T. GRCh37 (hg19) VCF-style: chr5-94845341-C-T.
Other names: short protein forms E991K.
Identifiers: ClinVar variation 1916105 (VCV001916105.2), dbSNP rs746502490, ClinGen allele CA3346902.
Genomic context (GRCh38, chr5:95,509,637, plus strand): 5'-AATTAAATGTAGTTTACCTTTGGTATGCATTTGCTGCTTCCTTTTTCAGTTGTAGATGTT[C>T]GTTTAAGTAACCCAACATTGTGAAAGCTGGGGCATAATTCTGAATTCTTTCTAGAAAATG-3'
Protein context (NP_055454.1, residues 981-1001): PAFTMLGYLN[Glu991Lys]HLQLKKEAAN

ClinVar aggregate classification (germline): Uncertain significance (1 of 4 stars; one submission).

Allele frequency attached by ClinVar (database versions not stated): ExAC 0.00003; gnomAD 0.00003.
gnomAD v4.1: 38 of 1,613,756 alleles (0.0024%); highest among the groups gnomAD compares: South Asian, 0.031%; 1 homozygote.

Submission:

Labcorp Genetics (formerly Invitae), Labcorp
Classification: Uncertain significance. Last evaluated: 2022-07-23. Review status: criteria provided, single submitter. Criteria: Invitae Variant Classification Sherloc (09022015). Collection method: clinical testing. Allele origin: germline.
Comment: This sequence change replaces glutamic acid, which is acidic and polar, with lysine, which is basic and polar, at codon 991 of the TTC37 protein (p.Glu991Lys). This variant is present in population databases (rs746502490, gnomAD 0.04%), including at least one homozygous and/or hemizygous individual. This variant has not been reported in the literature in individuals affected with TTC37-related conditions. Algorithms developed to predict the effect of missense changes on protein structure and function are either unavailable or do not agree on the potential impact of this missense change (SIFT: "Tolerated"; PolyPhen-2: "Probably Damaging"; Align-GVGD: "Class C0"). In summary, the available evidence is currently insufficient to determine the role of this variant in disease. Therefore, it has been classified as a Variant of Uncertain Significance.